The following is an entry in ClinVar:

NM_001134363.3(RBM20):c.1969_1970delinsAG (p.Ser657=)

Gene: RBM20 (RNA binding motif protein 20; plus strand). Cytogenetic location: 10q25.2.
Variant type: Indel.
Coding change: c.1969_1970delinsAG on transcript NM_001134363.3 (MANE Select); coding-DNA positions 1969 to 1970, TC replaced by AG.
Protein change: p.Ser657=; no amino-acid change (serine 657 retained).
Molecular consequence: synonymous variant.
Genome position (GRCh38, 1-based): chr10:110,812,366-110,812,367, TC replaced by AG. VCF-style: chr10-110812366-TC-AG. GRCh37 (hg19) VCF-style: chr10-112572124-TC-AG.
Other names: c.1969_1970delinsAG (LRG_382t1); c.1969_1970delTCinsAG (NM_001134363.1).
Identifiers: ClinVar variation 538015 (VCV000538015.20), dbSNP rs1554842673, ClinGen allele CA658797537.

ClinVar aggregate classification (germline): Conflicting classifications of pathogenicity. Review status: criteria provided, conflicting classifications (1 of 4 stars). 7 submissions from 7 submitters: Uncertain significance (3); Likely benign (2). 2 of the submissions do not count toward it. Last evaluated 2025-06-12.

Conditions:
Cardiomyopathy (CMYO). Also called: Cardiomyopathies. Identifiers: Orphanet 167848, MedGen C0878544, MONDO:0004994, HP:0001638. Inheritance: Various modes of inheritance.
Cardiovascular phenotype. Identifiers: MedGen CN230736.
Dilated cardiomyopathy 1DD (CMD1DD). Identifiers: Orphanet 154, MedGen C2750995, MONDO:0013168, OMIM 613172.

Submissions (7):

Labcorp Genetics (formerly Invitae), Labcorp
Classification: Uncertain significance for Dilated cardiomyopathy 1DD. Last evaluated: 2025-06-12. Review status: criteria provided, single submitter. Criteria: Invitae Variant Classification Sherloc (09022015). Collection method: clinical testing. Allele origin: germline.
Comment: This sequence change affects codon 657 of the RBM20 mRNA. It is a 'silent' change, meaning that it does not change the encoded amino acid sequence of the RBM20 protein. This variant is present in population databases (no rsID available, gnomAD 0.0006%). This variant has not been reported in the literature in individuals affected with RBM20-related conditions. ClinVar contains an entry for this variant (Variation ID: 538015). In summary, the available evidence is currently insufficient to determine the role of this variant in disease. Therefore, it has been classified as a Variant of Uncertain Significance.

GeneDx
Classification: Likely benign. Last evaluated: 2023-01-27. Review status: criteria provided, single submitter. Criteria: GeneDx Variant Classification Process June 2021. Collection method: clinical testing. Allele origin: germline. Affected: yes.
Comment: See Variant Classification Assertion Criteria.

Ambry Genetics
Classification: Likely benign for Cardiovascular phenotype. Last evaluated: 2022-09-14. Review status: criteria provided, single submitter. Criteria: Ambry Variant Classification Scheme 2023. Collection method: clinical testing. Allele origin: germline.

Fulgent Genetics
Classification: Uncertain significance for Dilated cardiomyopathy 1DD. Last evaluated: 2021-11-17. Review status: criteria provided, single submitter. Criteria: ACMG Guidelines, 2015. Collection method: clinical testing. Allele origin: unknown.

CHEO Genetics Diagnostic Laboratory, Children's Hospital of Eastern Ontario
Classification: Uncertain significance for Cardiomyopathy. Last evaluated: 2016-03-18. Review status: criteria provided, single submitter. Criteria: ACMG Guidelines, 2015. Collection method: clinical testing. Allele origin: germline. Study: Canadian Open Genetics Repository.

Clinical Genetics DNA and cytogenetics Diagnostics Lab, Erasmus MC, Erasmus Medical Center
Classification: Likely benign. Review status: no assertion criteria provided. Collection method: clinical testing. Allele origin: germline. Affected: yes. Study: VKGL Data-share Consensus. Not counted in ClinVar's aggregate classification.

Joint Genome Diagnostic Labs from Nijmegen and Maastricht, Radboudumc and MUMC+
Classification: Likely benign. Review status: no assertion criteria provided. Collection method: clinical testing. Allele origin: germline. Affected: yes. Study: VKGL Data-share Consensus. Not counted in ClinVar's aggregate classification.